The following is an entry in ClinVar:

ClinVar aggregate classification (germline): Pathogenic. Review status: criteria provided, multiple submitters, no conflicts (2 of 4 stars). 13 submissions from 13 submitters: Pathogenic (13). Last evaluated 2026-07-01.

Conditions:
Inborn genetic diseases. Identifiers: MedGen C0950123, MeSH D030342.
Mowat-Wilson syndrome (MOWS). Also called: Classic Mowat-Wilson Syndrome. Identifiers: Orphanet 2152, MedGen C1856113, MONDO:0009341, OMIM 235730.
Intellectual disability. Also called: Intellectual developmental disorder; Intellectual functioning disability; intellectual disabilities. Identifiers: MedGen C3714756, MeSH D008607, MONDO:0001071, HP:0001249.

Submissions (13):

CeGaT Center for Human Genetics Tuebingen
Classification: Pathogenic. Last evaluated: 2026-07-01. Review status: criteria provided, single submitter. Criteria: CeGaT Center For Human Genetics Tuebingen Variant Classification Criteria Version 2. Collection method: clinical testing. Allele origin: germline. Affected: yes. Observed: 3 variant alleles.
Comment: ZEB2: PVS1, PS2, PS4, PM2

Broad Center for Mendelian Genomics, Broad Institute of MIT and Harvard
Classification: Pathogenic for Mowat-Wilson syndrome. Last evaluated: 2023-01-25. Review status: criteria provided, single submitter. Criteria: ACMG Guidelines, 2015. Collection method: curation. Allele origin: germline. Inheritance: Autosomal dominant inheritance.
Comment: Trio exome analysis showed this variant to be de novo. The p.Arg921Ter variant in ZEB2 has been previously reported in 16 unrelated individuals with Mowat Wilson syndrome (PMID: 17203459, PMID: 33619735, PMID: 33199988, PMID: 32593896, PMID: 24401652, PMID: 26809768, PMID: 24715670, PMID: 19215041, PMID: 16053902, SCV001437886.1, SCV000680438.1). The number of reported affected individuals with this variant is greater than expected compared to non-affected individuals with this variant. This variant was found to be de novo in 6 individuals with confirmed paternity and maternity (PMID: 33619735, PMID: 33199988, PMID: 24401652, PMID: 16053902, SCV001437886.1, SCV000680438.1). This variant has also been reported in ClinVar (Variation ID: 160323) and has been interpreted as pathogenic by multiple submitters. This variant was absent from large population studies. This nonsense variant leads to a premature termination codon at position 921, which is predicted to lead to a truncated or absent protein. Heterozygous loss of function of the ZEB2 gene is an established disease mechanism in autosomal dominant Mowat Wilson syndrome. In summary, this variant meets criteria to be classified as pathogenic for Mowat Wilson syndrome. ACMG/AMP Criteria applied: PVS1, PS2_VeryStrong, PS4, PM2_Supporting (Richards 2015).

GeneDx
Classification: Pathogenic. Last evaluated: 2022-10-13. Review status: criteria provided, single submitter. Criteria: GeneDx Variant Classification Process June 2021. Collection method: clinical testing. Allele origin: germline. Affected: yes.
Comment: Nonsense variant predicted to result in protein truncation or nonsense mediated decay in a gene for which loss of function is a known mechanism of disease; Not observed at significant frequency in large population cohorts (gnomAD); This variant is associated with the following publications: (PMID: 25525159, 16053902, 24401652, 29655203, 32593896, 33619735, 33199988)

Labcorp Genetics (formerly Invitae), Labcorp
Classification: Pathogenic for Mowat-Wilson syndrome. Last evaluated: 2022-03-25. Review status: criteria provided, single submitter. Criteria: Invitae Variant Classification Sherloc (09022015). Collection method: clinical testing. Allele origin: germline.
Comment: For these reasons, this variant has been classified as Pathogenic. ClinVar contains an entry for this variant (Variation ID: 160323). This premature translational stop signal has been observed in individual(s) with Mowat-Wilson syndrome (PMID: 16053902, 19215041, 24401652, 24715670, 26809768). In at least one individual the variant was observed to be de novo. This variant is not present in population databases (gnomAD no frequency). This sequence change creates a premature translational stop signal (p.Arg921*) in the ZEB2 gene. It is expected to result in an absent or disrupted protein product. Loss-of-function variants in ZEB2 are known to be pathogenic (PMID: 16053902).

Centre of Medical Genetics, University Hospital Muenster
Classification: Pathogenic. Last evaluated: 2021-12-20. Review status: criteria provided, single submitter. Criteria: ACMG Guidelines, 2015. Collection method: clinical testing. Allele origin: unknown. Affected: yes. Observed: 1 variant allele, 1 heterozygote.
Comment: ACMG categories: PVS1,PM2,PP5

Genome-Nilou Lab
Classification: Pathogenic for Mowat-Wilson syndrome. Last evaluated: 2021-11-07. Review status: criteria provided, single submitter. Criteria: ACMG Guidelines, 2015. Collection method: clinical testing. Allele origin: germline. Affected: no.

Revvity Omics, Revvity
Classification: Pathogenic for Mowat-Wilson syndrome. Last evaluated: 2021-02-13. Review status: criteria provided, single submitter. Criteria: ACMG Guidelines, 2015. Collection method: clinical testing. Allele origin: germline.

Diagnostic Laboratory, Strasbourg University Hospital
Classification: Pathogenic for Intellectual disability. Last evaluated: 2020-09-10. Review status: criteria provided, single submitter. Criteria: ACMG Guidelines, 2015. Collection method: clinical testing. Allele origin: de novo. Affected: yes. Observed: 1 heterozygote.

Institute of Human Genetics Munich, TUM University Hospital
Classification: Pathogenic for Mowat-Wilson syndrome. Last evaluated: 2017-10-24. Review status: criteria provided, single submitter. Criteria: Classification criteria August 2017. Collection method: clinical testing. Allele origin: de novo. Inheritance: Autosomal dominant inheritance. Affected: yes. Observed: 1 heterozygote.

Ambry Genetics
Classification: Pathogenic for Inborn genetic diseases. Last evaluated: 2017-07-19. Review status: criteria provided, single submitter. Criteria: Ambry Variant Classification Scheme 2023. Collection method: clinical testing. Allele origin: germline.
Comment: The p.R921* pathogenic mutation (also known as c.2761C>T), located in coding exon 7 of the ZEB2 gene, results from a C to T substitution at nucleotide position 2761. This changes the amino acid from an arginine to a stop codon within coding exon 7. This mutation has been detected (some as de novo occurrences) in several individuals with typical Mowat-Wilson syndrome (MWS) facial gestalt and other various MWS symptoms including microcephaly, seizures, and developmental delay (Zweier C et al. Eur J Med Genet Feb;48:97-111; Pons L et al. Orphanet J Rare Dis, 2014 Jan;9:2). In addition to the clinical data presented in the literature, this alteration is expected to result in loss of function by premature protein truncation or nonsense-mediated mRNA decay. As such, this alteration is interpreted as a disease-causing mutation.

Eurofins Ntd Llc (ga)
Classification: Pathogenic. Last evaluated: 2016-02-12. Review status: criteria provided, single submitter. Criteria: EGL Classification Definitions 2015. Collection method: clinical testing. Allele origin: germline. Observed: 1 variant allele, 1 heterozygote.

Genetic Services Laboratory, University of Chicago
Classification: Pathogenic for Mowat-Wilson syndrome. Last evaluated: 2013-02-08. Review status: criteria provided, single submitter. Criteria: ACMG Guidelines, 2007. Collection method: clinical testing. Allele origin: germline. Inheritance: Autosomal dominant inheritance. Affected: yes.

Juno Genomics, Hangzhou Juno Genomics, Inc
Classification: Pathogenic for Mowat-Wilson syndrome. Review status: criteria provided, single submitter. Criteria: ACMG Guidelines, 2015. Collection method: clinical testing. Allele origin: germline.
Comment: Absent from controls (or at extremely low frequency if recessive) in Genome Aggregation Database.;Null variant in a gene where loss of function (LOF) is a known mechanism of disease.;The prevalence of the variant in affected individuals is significantly increased compared to the prevalence in controls.;De novo (both maternity and paternity confirmed) in a patient with the disease and no family history.

Literature cited by the submitters: PubMed 16053902 (cited by Labcorp Genetics (formerly Invitae), Labcorp and Ambry Genetics); PubMed 19215041 (cited by Labcorp Genetics (formerly Invitae), Labcorp); PubMed 24401652 (cited by Labcorp Genetics (formerly Invitae), Labcorp and Ambry Genetics); PubMed 24715670 (cited by Labcorp Genetics (formerly Invitae), Labcorp); PubMed 26809768 (cited by Labcorp Genetics (formerly Invitae), Labcorp); PubMed 17958891 (cited by Ambry Genetics); PubMed 25899569 (cited by Ambry Genetics).

NM_014795.4(ZEB2):c.2761C>T (p.Arg921Ter)

Gene: ZEB2 (zinc finger E-box binding homeobox 2; minus strand). Cytogenetic location: 2q22.3.
Variant type: single nucleotide variant.
Coding change: c.2761C>T on transcript NM_014795.4 (MANE Select); coding-DNA position 2761, C replaced by T.
Protein change: p.Arg921Ter; replaces arginine 921 with a stop codon.
Molecular consequence: nonsense.
Genome position (GRCh38, 1-based): chr2:144,398,426, G>A on the plus strand (C>T on the coding strand, the complement: ZEB2 is on the minus strand). VCF-style: chr2-144398426-G-A. GRCh37 (hg19) VCF-style: chr2-145155993-G-A.
Other names: p.R921*:CGA>TGA; NM_014795.4(ZEB2):c.2761C>T; p.Arg921Ter; c.2689C>T, p.Arg897Ter (NM_001171653.2); short protein forms R921*, R897*.
Identifiers: ClinVar variation 160323 (VCV000160323.67), dbSNP rs587784566, ClinGen allele CA295208.